The following is an entry in ClinVar:

ClinVar aggregate classification (germline): Uncertain significance. Review status: criteria provided, multiple submitters, no conflicts (2 of 4 stars). 8 submissions from 5 submitters: Uncertain significance (8). Last evaluated 2025-09-18.

Conditions:
Congenital myopathy 18. Also called: DIHYDROPYRIDINE RECEPTOR CONGENITAL MYOPATHY; DHPR CONGENITAL MYOPATHY; Myopathy, congenital, due to dihydropyridine receptor defect. Identifiers: MedGen C5830283, MONDO:0859514, OMIM 620246.
Thyrotoxic periodic paralysis, susceptibility to, 1 (TTPP1). Identifiers: Orphanet 79102, MedGen C2749982, MONDO:0008570, OMIM 188580.
Hypokalemic periodic paralysis, type 1. Also called: Hypokalemic Periodic Paralysis Type 1 (AD); HypoPP. Identifiers: Orphanet 681, MedGen C3714580, MONDO:0042979, OMIM 170400.
Malignant hyperthermia, susceptibility to, 5 (MHS5). Also called: CACNA1S-Related Malignant Hyperthermia Susceptibility. Identifiers: Orphanet 423, MedGen C1866077, MONDO:0011163, OMIM 601887.

Allele frequency attached by ClinVar (database versions not stated): gnomAD exomes below 0.00001; gnomAD 0.00001.
gnomAD v4.1: 5 of 1,614,014 alleles (0.00031%); highest among the groups gnomAD compares: African/African-American, 0.0013%; no homozygotes.

Submissions (8):

Color Diagnostics, LLC DBA Color Health
Classification: Uncertain significance for Malignant hyperthermia, susceptibility to, 5. Last evaluated: 2025-09-18. Review status: criteria provided, single submitter. Criteria: ACMG Guidelines, 2015. Collection method: clinical testing. Allele origin: germline.
Comment: This missense variant replaces tyrosine with phenylalanine at codon 91 of the CACNA1S protein. Computational prediction suggests that this variant may have deleterious impact on protein structure and function. To our knowledge, functional studies have not been reported for this variant. This variant has not been reported in individuals affected with CACNA1S-related disorders in the literature. This variant has been identified in 1/251470 chromosomes in the general population by the Genome Aggregation Database (gnomAD). The available evidence is insufficient to determine the role of this variant in disease conclusively. Therefore, this variant is classified as a Variant of Uncertain Significance.

Labcorp Genetics (formerly Invitae), Labcorp
Classification: Uncertain significance for Hypokalemic periodic paralysis, type 1; Malignant hyperthermia, susceptibility to, 5. Last evaluated: 2023-10-03. Review status: criteria provided, single submitter. Criteria: Invitae Variant Classification Sherloc (09022015). Collection method: clinical testing. Allele origin: germline.
Comment: This sequence change replaces tyrosine, which is neutral and polar, with phenylalanine, which is neutral and non-polar, at codon 91 of the CACNA1S protein (p.Tyr91Phe). This variant is present in population databases (no rsID available, gnomAD 0.0009%). This variant has not been reported in the literature in individuals affected with CACNA1S-related conditions. ClinVar contains an entry for this variant (Variation ID: 856370). Advanced modeling of protein sequence and biophysical properties (such as structural, functional, and spatial information, amino acid conservation, physicochemical variation, residue mobility, and thermodynamic stability) performed at Invitae indicates that this missense variant is not expected to disrupt CACNA1S protein function. In summary, the available evidence is currently insufficient to determine the role of this variant in disease. Therefore, it has been classified as a Variant of Uncertain Significance.

All of Us Research Program, National Institutes of Health
Classification: Uncertain significance for Malignant hyperthermia, susceptibility to, 5. Last evaluated: 2023-06-26. Review status: criteria provided, single submitter. Criteria: ACMG Guidelines, 2015. Collection method: clinical testing. Allele origin: germline. Inheritance: Autosomal dominant inheritance. Observed: 1 variant allele, 1 heterozygote.
Comment: This missense variant replaces tyrosine with phenylalanine at codon 91 of the CACNA1S protein. Computational prediction suggests that this variant may have deleterious impact on protein structure and function (internally defined REVEL score threshold >= 0.7, PMID: 27666373). To our knowledge, functional studies have not been reported for this variant. This variant has not been reported in individuals affected with CACNA1S-related disorders in the literature. This variant has been identified in 1/251470 chromosomes in the general population by the Genome Aggregation Database (gnomAD). The available evidence is insufficient to determine the role of this variant in disease conclusively. Therefore, this variant is classified as a Variant of Uncertain Significance.

This study involves interpretation of variants in research participants for the purpose of population health screening. Participant phenotype was not available at the time of variant classification. Additional details can be found in publication PMID: 35346344, PMCID: PMC8962531

Genome-Nilou Lab
Classification: Uncertain significance for Malignant hyperthermia, susceptibility to, 5. Last evaluated: 2023-04-11. Review status: criteria provided, single submitter. Criteria: ACMG Guidelines, 2015. Collection method: clinical testing. Allele origin: germline. Affected: no.

Genome-Nilou Lab
Classification: Uncertain significance for Thyrotoxic periodic paralysis, susceptibility to, 1. Last evaluated: 2023-04-11. Review status: criteria provided, single submitter. Criteria: ACMG Guidelines, 2015. Collection method: clinical testing. Allele origin: germline. Affected: no.

Genome-Nilou Lab
Classification: Uncertain significance for Congenital myopathy 18. Last evaluated: 2023-04-11. Review status: criteria provided, single submitter. Criteria: ACMG Guidelines, 2015. Collection method: clinical testing. Allele origin: germline. Affected: no.

Genome-Nilou Lab
Classification: Uncertain significance for Hypokalemic periodic paralysis, type 1. Last evaluated: 2023-04-11. Review status: criteria provided, single submitter. Criteria: ACMG Guidelines, 2015. Collection method: clinical testing. Allele origin: germline. Affected: no.

GeneDx
Classification: Uncertain significance. Last evaluated: 2022-01-13. Review status: criteria provided, single submitter. Criteria: GeneDx Variant Classification Process June 2021. Collection method: clinical testing. Allele origin: germline. Affected: yes.
Comment: Not observed at significant frequency in large population cohorts (gnomAD); In silico analysis supports that this missense variant has a deleterious effect on protein structure/function; Has not been previously published as pathogenic or benign to our knowledge; This variant is associated with the following publications: (PMID: 26433613, 25880512)

NM_000069.3(CACNA1S):c.272A>T (p.Tyr91Phe)

Gene: CACNA1S (calcium voltage-gated channel subunit alpha1 S; minus strand). Cytogenetic location: 1q32.1.
Variant type: single nucleotide variant.
Coding change: c.272A>T on transcript NM_000069.3 (MANE Select); coding-DNA position 272, A replaced by T.
Protein change: p.Tyr91Phe; replaces tyrosine 91 with phenylalanine.
Molecular consequence: missense variant.
Genome position (GRCh38, 1-based): chr1:201,094,008, T>A on the plus strand (A>T on the coding strand, the complement: CACNA1S is on the minus strand). VCF-style: chr1-201094008-T-A. GRCh37 (hg19) VCF-style: chr1-201063136-T-A.
Other names: short protein forms Y91F.
Identifiers: ClinVar variation 856370 (VCV000856370.14), dbSNP rs1013152799, ClinGen allele CA35998528.